The following is an entry in ClinVar:

NM_001034853.2(RPGR):c.3189G>A (p.Glu1063=)

Gene: RPGR (retinitis pigmentosa GTPase regulator; minus strand). Cytogenetic location: Xp11.4.
Variant type: single nucleotide variant.
Coding change: c.3189G>A on transcript NM_001034853.2 (MANE Select); coding-DNA position 3189, G replaced by A.
Protein change: p.Glu1063=; no amino-acid change (glutamic acid 1063 retained).
Molecular consequence: synonymous variant. On other transcripts: intron variant (8).
Genome position (GRCh38, 1-based): chrX:38,285,810, C>T on the plus strand (G>A on the coding strand, the complement: RPGR is on the minus strand). VCF-style: chrX-38285810-C-T. GRCh37 (hg19) VCF-style: chrX-38145063-C-T.
Other names: c.1569+5149G>A (NM_001367249.1, NM_001367250.1); c.1902+1284G>A (NM_001367245.1); c.1386+5149G>A (NM_001367251.1); c.1719+1284G>A (NM_001367246.1); c.1572+5149G>A (NM_001367247.1); c.1905+1284G>A (NM_000328.3); c.1602+5149G>A (NM_001367248.1).
Identifiers: ClinVar variation 4983715 (VCV004983715.1).

ClinVar aggregate classification (germline): Likely benign (1 of 4 stars; one submission).

Conditions:
RPGR-related disorder. Also called: RPGR-related condition.

Submission:

PreventionGenetics, part of Exact Sciences
Classification: Likely benign for RPGR-related condition. Last evaluated: 2024-10-19. Review status: criteria provided, single submitter. Criteria: ACMG Guidelines, 2015. Collection method: clinical testing. Allele origin: germline.
Comment: This variant is classified as likely benign based on ACMG/AMP sequence variant interpretation guidelines (Richards et al. 2015 PMID: 25741868, with internal and published modifications).